The following is an entry in ClinVar:

NM_018671.5(UNC45A):c.1982G>A (p.Ser661Asn)

Gene: UNC45A (unc-45 myosin chaperone A; plus strand). Cytogenetic location: 15q26.1.
Variant type: single nucleotide variant.
Coding change: c.1982G>A on transcript NM_018671.5 (MANE Select); coding-DNA position 1982, G replaced by A.
Protein change: p.Ser661Asn; replaces serine 661 with asparagine.
Molecular consequence: missense variant.
Genome position (GRCh38, 1-based): chr15:90,949,419, G>A. VCF-style: chr15-90949419-G-A. GRCh37 (hg19) VCF-style: chr15-91492649-G-A.
Other names: c.1937G>A, p.Ser646Asn (NM_001039675.2, NM_001323621.2); c.1982G>A, p.Ser661Asn (NM_001323619.1); c.1547G>A, p.Ser516Asn (NM_001323620.2); short protein forms S516N, S646N, S661N.
Identifiers: ClinVar variation 1912427 (VCV001912427.2), dbSNP rs1259891974, ClinGen allele CA393860089.
Genomic context (GRCh38, chr15:90,949,419, plus strand): 5'-CAGCGGGTGTGGTGTCGGCCATGGTGTGCATGGTGAAGACGGAGAGCCCTGTGCTGACCA[G>A]TTCCTGCAGAGAGCTGCTCTCCAGGTGAGCCAGCCTTGGTAGGAGCCAACCTTTCCCAAC-3'
Protein context (NP_061141.2, residues 651-671): MVKTESPVLT[Ser661Asn]SCRELLSRVF

ClinVar aggregate classification (germline): Uncertain significance (1 of 4 stars; one submission).

Allele frequency attached by ClinVar (database versions not stated): gnomAD 0.00002; TOPMed 0.00003.
gnomAD v4.1: 21 of 1,613,720 alleles (0.0013%); highest among the groups gnomAD compares: Admixed American, 0.005%; no homozygotes.

Submission:

Labcorp Genetics (formerly Invitae), Labcorp
Classification: Uncertain significance. Last evaluated: 2022-07-06. Review status: criteria provided, single submitter. Criteria: Invitae Variant Classification Sherloc (09022015). Collection method: clinical testing. Allele origin: germline.
Comment: This sequence change replaces serine, which is neutral and polar, with asparagine, which is neutral and polar, at codon 661 of the UNC45A protein (p.Ser661Asn). This variant is present in population databases (no rsID available, gnomAD 0.002%). This variant has not been reported in the literature in individuals affected with UNC45A-related conditions. Algorithms developed to predict the effect of missense changes on protein structure and function output the following: SIFT: "Not Available"; PolyPhen-2: "Benign"; Align-GVGD: "Not Available". The asparagine amino acid residue is found in multiple mammalian species, which suggests that this missense change does not adversely affect protein function. In summary, the available evidence is currently insufficient to determine the role of this variant in disease. Therefore, it has been classified as a Variant of Uncertain Significance.